The following is an entry in ClinVar:

NM_000059.4(BRCA2):c.476-3C>A

Gene: BRCA2 (BRCA2 DNA repair associated; plus strand). Cytogenetic location: 13q13.1.
Variant type: single nucleotide variant.
Coding change: c.476-3C>A on transcript NM_000059.4 (MANE Select); 3 bases into the intron before coding-DNA position 476, C replaced by A.
Molecular consequence: intron variant.
Genome position (GRCh38, 1-based): chr13:32,326,239, C>A. VCF-style: chr13-32326239-C-A. GRCh37 (hg19) VCF-style: chr13-32900376-C-A.
Other names: IVS5-3C>A.
Identifiers: ClinVar variation 37924 (VCV000037924.21), dbSNP rs371431745, ClinGen allele CA020796.

ClinVar aggregate classification (germline): Conflicting classifications of pathogenicity. Review status: criteria provided, conflicting classifications (1 of 4 stars). 11 submissions from 11 submitters: Likely pathogenic (1); Uncertain significance (8). 2 of the submissions do not count toward it. Last evaluated 2026-09-24.

Conditions:
BRCA2-related disorder. Also called: BRCA2-related condition; BRCA2-related disorders. Identifiers: MedGen CN239275.
Familial pancreatic carcinoma. Identifiers: Orphanet 1333, MedGen C2931038, MONDO:0015278, OMIM 260350.
Hereditary cancer-predisposing syndrome. Also called: Hereditary neoplastic syndrome; Neoplastic Syndromes, Hereditary; Hereditary Cancer Syndrome; Tumor predisposition. Identifiers: Orphanet 140162, MedGen C0027672, MeSH D009386, MONDO:0015356.
Hereditary breast ovarian cancer syndrome. Also called: Breast and ovarian cancer; Hereditary breast and ovarian cancer syndrome; BRCA1- and BRCA2-Associated Hereditary Breast and Ovarian Cancer; Hereditary breast and ovarian cancer syndrome (HBOC); Hereditary breast and/or ovarian cancer syndrome; Hereditary breast and ovarian cancer. Identifiers: Orphanet 145, MedGen C0677776, MeSH D061325, MONDO:0003582. Disease mechanism: loss of function.
Breast-ovarian cancer, familial, susceptibility to, 2 (BROVCA2). Also called: BRCA2 Hereditary Breast and Ovarian Cancer. Identifiers: Orphanet 145, MedGen C2675520, MONDO:0012933, OMIM 612555. Disease mechanism: loss of function.
Familial cancer of breast. Also called: hereditary breast carcinoma; Hereditary breast cancer; BREAST CANCER, FAMILIAL. Identifiers: Orphanet 227535, MedGen C0346153, MONDO:0016419, OMIM 114480. Disease mechanism: loss of function.

Allele frequency attached by ClinVar (database versions not stated): ExAC 0.00006; gnomAD exomes 0.00004.
gnomAD v4.1: 33 of 1,613,062 alleles (0.002%); highest among the groups gnomAD compares: Non-Finnish European, 0.00017%; no homozygotes.

Submissions (11):

Department of Laboratory Medicine, The Third Affiliated Hospital of Zhengzhou University
Classification: Uncertain significance for Breast-ovarian cancer, familial, susceptibility to, 2. Last evaluated: 2026-09-24. Review status: criteria provided, single submitter. Criteria: ClinGen BRCA1 and BRCA2 Guidelines, 2024. Collection method: clinical testing. Allele origin: germline. Inheritance: Autosomal dominant inheritance. Affected: yes. Observed: 7 variant alleles, 7 heterozygotes. Clinical features observed: Ovarian carcinoma (HP:0025318), Breast carcinoma (HP:0003002).
Comment: PP3 (SpliceAI acceptor loss 0.26). BS4 not applied: both affected carriers in the family also carry a likely pathogenic BRCA1 exon 4-9 tandem duplication that explains their cancers, so co-segregation cannot be scored. gnomAD v4.1: 28 of 30 exome alleles are Finnish; non-founder filtering allele frequency 3e-7 (BS1 not met; PM2 not met because of two non-Finnish European alleles). Published patient RNA data (PMID:30832263) show increased out-of-frame delta6 and delta5,6 transcripts with residual full-length product. PM3 (Fanconi anaemia case, PMID:27862952) not evaluated. Classified with the ClinGen ENIGMA BRCA1/BRCA2 VCEP specifications v1.2 (2025). BRCA1 exon numbering per NM_007294.4 (MANE Select); legacy exon numbers in parentheses.

Labcorp Genetics (formerly Invitae), Labcorp
Classification: Uncertain significance for Hereditary breast ovarian cancer syndrome. Last evaluated: 2025-12-31. Review status: criteria provided, single submitter. Criteria: Invitae Variant Classification Sherloc (09022015). Collection method: clinical testing. Allele origin: germline.
Comment: This sequence change falls in intron 5 of the BRCA2 gene. It does not directly change the encoded amino acid sequence of the BRCA2 protein. It affects a nucleotide within the consensus splice site. This variant is present in population databases (rs371431745, gnomAD 0.05%). This variant has been observed in individual(s) with a personal and/or family history of breast and/or ovarian cancer (PMID: 27062684, 29446198, 30078507, 30630526, 34026625, 35641994). ClinVar contains an entry for this variant (Variation ID: 37924). Variants that disrupt the consensus splice site are a relatively common cause of aberrant splicing (PMID: 17576681, 9536098). Studies have shown that this variant is associated with inconclusive levels of altered splicing (PMID: 30832263, 30883759; internal data). In summary, the available evidence is currently insufficient to determine the role of this variant in disease. Therefore, it has been classified as a Variant of Uncertain Significance.

Color Diagnostics, LLC DBA Color Health
Classification: Uncertain significance for Hereditary cancer-predisposing syndrome. Last evaluated: 2025-09-22. Review status: criteria provided, single submitter. Criteria: ACMG Guidelines, 2015. Collection method: clinical testing. Allele origin: germline.
Comment: This variant causes a C to A nucleotide substitution at the -3 position of intron 5 of the BRCA2 gene. Splice site prediction tools predict that this variant may have a significant impact on RNA splicing. RNA studies have reported that this variant is detected with increased out-of-frame splicing predicted to cause premature truncation and an absent or non-functional protein product, albeit the splicing defect may be incomplete (PMID: 30832263, 30883759). This variant has been reported in at least four individuals affected with breast, ovarian or pancreatic cancer and in additional suspected hereditary breast and ovarian cancer families (PMID: 27062684, 29446198, 30078507, 30630526, 34026625, 35641994). This variant also has been reported in an individual diagnosed with Fanconi anemia with a pathogenic BRCA2 co-variant (PMID: 27862952). By contrast, this variant is not considered rare and has been identified in 12/282210 chromosomes (12/267726 chromosomes in the non-cancer cohort) in the general population by the Genome Aggregation Database (gnomAD). Although there is a suspicion that this variant may be associated with disease and perhaps being less penetrant than a classic loss-of-function mutation in the BRCA2 gene, additional case-control and functional studies are necessary to determine the role of this variant in disease conclusively. Therefore, this variant is classified as a Variant of Uncertain Significance.

German Consortium for Hereditary Breast and Ovarian Cancer, University Hospital Cologne
Classification: Uncertain significance for Hereditary breast ovarian cancer syndrome. Last evaluated: 2025-04-02. Review status: criteria provided, single submitter. Criteria: ClinGen BRCA2 V1.1.0. Collection method: curation. Allele origin: germline.
Comment: Genetic testing revealed biallelic BRCA2/FANCD1 mutations: 888delGT and IVs5-3C>A., PP3 (supporting pathogenic): spliceAI: 0.260 (acceptor_loss), BS1 (supporting benign): gnomAD v3.1 (non-cancer): AF: 0.00002030

Ambry Genetics
Classification: Uncertain significance for Hereditary cancer-predisposing syndrome. Last evaluated: 2024-12-20. Review status: criteria provided, single submitter. Criteria: Ambry Variant Classification Scheme 2023. Collection method: clinical testing. Allele origin: germline.
Comment: The c.476-3C>A intronic variant results from a C to A substitution 3 nucleotides upstream from coding exon 5 in the BRCA2 gene. This alteration has been observed in multiple individuals and families with high risk breast and ovarian cancer (Azzollini J et al. Eur J Intern Med, 2016 Jul;32:65-71; Rebbeck TR et al. Hum Mutat, 2018 05;39:593-620; Li A et al. Gynecol Oncol, 2018 10;151:145-152). This variant was reported in an individual with features consistent with Fanconi Anemia (Yi, JS et al. Pediatr Blood Cancer 2017 May;64(5):). This nucleotide position is not well conserved in available vertebrate species. In silico splice site analysis for this alteration is inconclusive. RNA studies have demonstrated this alteration results in an incomplete splicing in the set of samples tested; the clinical impact of this abnormal splicing is unknown at this time (Ambry internal data; Gelli E et al. Cancers (Basel), 2019 Mar;11; Fraile-Bethencourt E et al. J Pathol, 2019 08;248:409-420). Since supporting evidence is conflicting at this time, the clinical significance of this alteration remains unclear.

MGZ Medical Genetics Center
Classification: Uncertain significance for Familial cancer of breast. Last evaluated: 2024-06-10. Review status: criteria provided, single submitter. Criteria: CSpec BRCA1/2ACMG Rules Specifications V1.1.0. Collection method: clinical testing. Allele origin: germline. Affected: yes.
Comment: ACMG codes applied following ENIGMA VCEP rules: PP3

Department of Pathology and Laboratory Medicine, Sinai Health System
Classification: Uncertain significance for Familial pancreatic carcinoma. Last evaluated: 2024-04-24. Review status: criteria provided, single submitter. Criteria: ACMG Guidelines, 2015. Collection method: clinical testing. Allele origin: germline. Affected: yes.

Baylor Genetics
Classification: Uncertain significance for Familial cancer of breast. Last evaluated: 2023-08-05. Review status: criteria provided, single submitter. Criteria: ACMG Guidelines, 2015. Collection method: clinical testing. Allele origin: unknown.

Blueprint Genetics
Classification: Likely pathogenic for BRCA2-related disorders. Last evaluated: 2022-10-12. Review status: criteria provided, single submitter. Criteria: ACMG Guidelines, 2015. Collection method: clinical testing. Allele origin: germline. Affected: yes. Observed: 2 variant alleles.

Department of Medical and Surgical Sciences, University of Bologna
Classification: Uncertain significance for Breast-ovarian cancer, familial, susceptibility to, 2. Last evaluated: 2023-09-01. Review status: no assertion criteria provided. Collection method: clinical testing. Allele origin: germline. Affected: yes. Not counted in ClinVar's aggregate classification.
Comment: PP3(Supporting) according to ACMG/AMP classification guidelines specified for BRCA1 & BRCA2 (Classification Criteria V1.0.0 2023-09-08) (PMID: 38160042)

Sharing Clinical Reports Project (SCRP)
Classification: Uncertain significance for Breast-ovarian cancer, familial 2. Last evaluated: 2011-07-11. Review status: no assertion criteria provided. Collection method: clinical testing. Allele origin: germline. Not counted in ClinVar's aggregate classification.

Literature cited by the submitters: PubMed 27062684 (cited by 4 submitters); PubMed 29446198 (cited by 4 submitters); PubMed 30078507 (cited by 4 submitters); PubMed 30630526 (cited by 3 submitters); PubMed 34026625 (cited by 3 submitters); PubMed 35641994 (cited by Labcorp Genetics (formerly Invitae), Labcorp and Color Diagnostics, LLC DBA Color Health); PubMed 17576681 (cited by Labcorp Genetics (formerly Invitae), Labcorp); PubMed 9536098 (cited by Labcorp Genetics (formerly Invitae), Labcorp); PubMed 30832263 (cited by 4 submitters); PubMed 30883759 (cited by 4 submitters); PubMed 27862952 (cited by 3 submitters); PubMed 32467295 (cited by Department of Pathology and Laboratory Medicine, Sinai Health System).